The following is an entry in ClinVar:

NM_002180.3(IGHMBP2):c.180C>T (p.Tyr60=)

Gene: IGHMBP2 (immunoglobulin mu DNA binding protein 2; plus strand). Cytogenetic location: 11q13.3.
Variant type: single nucleotide variant.
Coding change: c.180C>T on transcript NM_002180.3 (MANE Select); coding-DNA position 180, C replaced by T.
Protein change: p.Tyr60=; no amino-acid change (tyrosine 60 retained).
Molecular consequence: synonymous variant.
Genome position (GRCh38, 1-based): chr11:68,906,162, C>T. VCF-style: chr11-68906162-C-T. GRCh37 (hg19) VCF-style: chr11-68673630-C-T.
Other names: p.Tyr60=.
Identifiers: ClinVar variation 258562 (VCV000258562.65), dbSNP rs34617762, ClinGen allele CA6153208.

ClinVar aggregate classification (germline): Benign/Likely benign. Review status: criteria provided, multiple submitters, no conflicts (2 of 4 stars). 12 submissions from 12 submitters: Benign (9); Likely benign (2). 1 of the submissions does not count toward it. Last evaluated 2026-07-01.

Conditions:
Charcot-Marie-Tooth disease axonal type 2S. Also called: CHARCOT-MARIE-TOOTH NEUROPATHY, TYPE 2S; CHARCOT-MARIE-TOOTH DISEASE, AXONAL, AUTOSOMAL RECESSIVE, TYPE 2S. Identifiers: Orphanet 443073, MedGen C4015349, MONDO:0014511, OMIM 616155.
Autosomal recessive distal spinal muscular atrophy 1. Also called: NEURONOPATHY, SEVERE INFANTILE AXONAL, WITH RESPIRATORY FAILURE; SEVERE INFANTILE AXONAL NEUROPATHY WITH RESPIRATORY FAILURE; SPINAL MUSCULAR ATROPHY, DIAPHRAGMATIC; Spinal muscular atrophy with respiratory distress 1; HMN VI; NEURONOPATHY, DISTAL HEREDITARY MOTOR, HARDING TYPE VI. Identifiers: Orphanet 98920, MedGen C1858517, MONDO:0011436, OMIM 604320.
Charcot-Marie-Tooth disease. Also called: Charcot-Marie-Tooth Hereditary Neuropathy; Charcot-Marie-Tooth Neuropathy. Identifiers: Orphanet 166, MedGen C0007959, MONDO:0015626.

Allele frequency attached by ClinVar (database versions not stated): 1000 Genomes Project 30x 0.00406; 1000 Genomes Project 0.00479; TOPMed 0.00864; ExAC 0.00915; gnomAD 0.00930 and 0.00959; gnomAD exomes 0.00950 and 0.01136; ESP Exome Variant Server 0.01086.
gnomAD v4.1: 18,012 of 1,614,126 alleles (1.1%); highest among the groups gnomAD compares: Middle Eastern, 1.6%; 141 homozygotes.

Submissions (12):

CeGaT Center for Human Genetics Tuebingen
Classification: Benign. Last evaluated: 2026-07-01. Review status: criteria provided, single submitter. Criteria: CeGaT Center For Human Genetics Tuebingen Variant Classification Criteria Version 2. Collection method: clinical testing. Allele origin: germline. Affected: yes. Observed: 41 variant alleles.
Comment: IGHMBP2: BP4, BP7, BS1, BS2

Labcorp Genetics (formerly Invitae), Labcorp
Classification: Benign for Autosomal recessive distal spinal muscular atrophy 1; Charcot-Marie-Tooth disease axonal type 2S. Last evaluated: 2026-02-03. Review status: criteria provided, single submitter. Criteria: Invitae Variant Classification Sherloc (09022015). Collection method: clinical testing. Allele origin: germline.

ARUP Laboratories, Molecular Genetics and Genomics, ARUP Laboratories
Classification: Benign. Last evaluated: 2024-08-06. Review status: criteria provided, single submitter. Criteria: ARUP Molecular Germline Variant Investigation Process 2024. Collection method: clinical testing. Allele origin: germline.

Illumina Laboratory Services, Illumina
Classification: Benign for Autosomal recessive distal spinal muscular atrophy 1. Last evaluated: 2018-01-13. Review status: criteria provided, single submitter. Criteria: ICSL Variant Classification Criteria 13 December 2019. Collection method: clinical testing. Allele origin: germline.
Comment: This variant was observed in the ICSL laboratory as part of a predisposition screen in an ostensibly healthy population. It had not been previously curated by ICSL or reported in the Human Gene Mutation Database (HGMD: prior to June 1st, 2018), and was therefore a candidate for classification through an automated scoring system. Utilizing variant allele frequency, disease prevalence and penetrance estimates, and inheritance mode, an automated score was calculated to assess if this variant is too frequent to cause the disease. Based on the score and internal cut-off values, a variant classified as benign is not then subjected to further curation. The score for this variant resulted in a classification of benign for this disease.

Athena Diagnostics
Classification: Benign. Last evaluated: 2017-12-12. Review status: criteria provided, single submitter. Criteria: Athena Diagnostics Criteria. Collection method: clinical testing. Allele origin: germline.

Mayo Clinic Laboratories, Mayo Clinic
Classification: Benign. Last evaluated: 2016-05-12. Review status: criteria provided, single submitter. Criteria: ACMG Guidelines, 2015. Collection method: clinical testing. Allele origin: germline. Observed: 54 variant alleles.

Laboratory for Molecular Medicine, Mass General Brigham Personalized Medicine
Classification: Likely benign. Last evaluated: 2016-03-28. Review status: criteria provided, single submitter. Criteria: LMM Criteria. Collection method: clinical testing. Allele origin: germline.
Comment: Variant identified in a genome or exome case(s) and assessed due to predicted null impact of the variant or pathogenic assertions in the literature or databases. Disclaimer: This variant has not undergone full assessment. The following are preliminary notes: 2.1% of Finnish chromosomes in ExAC

GeneDx
Classification: Benign. Last evaluated: 2015-03-03. Review status: criteria provided, single submitter. Criteria: GeneDx Variant Classification Process June 2021. Collection method: clinical testing. Allele origin: germline. Affected: yes.

Breakthrough Genomics
Classification: Likely benign. Review status: criteria provided, single submitter. Criteria: ACMG Guidelines, 2015. Collection method: not provided. Allele origin: germline. Inheritance: Autosomal recessive inheritance. Affected: yes.

Molecular Genetics Laboratory, London Health Sciences Centre
Classification: Benign for Charcot-Marie-Tooth disease. Review status: criteria provided, single submitter. Criteria: ACMG Guidelines, 2015. Collection method: clinical testing. Allele origin: germline. Affected: yes.

PreventionGenetics, part of Exact Sciences
Classification: Benign. Review status: criteria provided, single submitter. Criteria: ACMG Guidelines, 2015. Collection method: clinical testing. Allele origin: germline.

Inherited Neuropathy Consortium
Classification: Benign. Review status: no assertion criteria provided. Collection method: literature only. Allele origin: germline. Affected: yes. Not counted in ClinVar's aggregate classification.

Literature cited by the submitters: PubMed 11528396 (cited by Athena Diagnostics and Inherited Neuropathy Consortium).